The following is an entry in ClinVar:

NM_004360.5(CDH1):c.2592A>G (p.Glu864=)

Gene: CDH1 (cadherin 1; plus strand). Cytogenetic location: 16q22.1.
Variant type: single nucleotide variant.
Coding change: c.2592A>G on transcript NM_004360.5 (MANE Select); coding-DNA position 2592, A replaced by G.
Protein change: p.Glu864=; no amino-acid change (glutamic acid 864 retained).
Molecular consequence: synonymous variant.
Genome position (GRCh38, 1-based): chr16:68,833,442, A>G. VCF-style: chr16-68833442-A-G. GRCh37 (hg19) VCF-style: chr16-68867345-A-G.
Other names: c.2592A>G (NM_004360.3); c.2409A>G, p.Glu803= (NM_001317184.2); c.1044A>G, p.Glu348= (NM_001317185.2); c.627A>G, p.Glu209= (NM_001317186.2).
Identifiers: ClinVar variation 1141706 (VCV001141706.11), dbSNP rs2152144154, ClinGen allele CA496393201.

ClinVar aggregate classification (germline): Benign/Likely benign. Review status: criteria provided, multiple submitters, no conflicts (2 of 4 stars). 3 submissions from 3 submitters: Benign (1); Likely benign (2). Last evaluated 2025-01-31.

Conditions:
Hereditary cancer-predisposing syndrome. Also called: Hereditary neoplastic syndrome; Tumor predisposition; Neoplastic Syndromes, Hereditary; Hereditary Cancer Syndrome. Identifiers: Orphanet 140162, MedGen C0027672, MeSH D009386, MONDO:0015356.
Hereditary diffuse gastric adenocarcinoma (HDGC). Also called: DIFFUSE GASTRIC AND LOBULAR BREAST CANCER SYNDROME. Identifiers: Orphanet 26106, MedGen C1708349, MONDO:0007648, OMIM 137215.

Submissions (3):

Ambry Genetics
Classification: Likely benign for Hereditary cancer-predisposing syndrome. Last evaluated: 2025-01-31. Review status: criteria provided, single submitter. Criteria: Ambry Variant Classification Scheme 2023. Collection method: clinical testing. Allele origin: germline.

Myriad Genetics, Inc.
Classification: Benign for Hereditary diffuse gastric adenocarcinoma. Last evaluated: 2024-09-24. Review status: criteria provided, single submitter. Criteria: Myriad Autosomal Dominant, Autosomal Recessive and X-Linked Classification Criteria (2023). Collection method: clinical testing. Allele origin: unknown.
Comment: This variant is considered benign. This variant is a silent/synonymous amino acid change and it is not expected to impact splicing.

Labcorp Genetics (formerly Invitae), Labcorp
Classification: Likely benign for Hereditary diffuse gastric adenocarcinoma. Last evaluated: 2022-01-17. Review status: criteria provided, single submitter. Criteria: Invitae Variant Classification Sherloc (09022015). Collection method: clinical testing. Allele origin: germline.